The following is an entry in ClinVar:

ClinVar aggregate classification (germline): Likely benign. Review status: criteria provided, single submitter (1 of 4 stars). 2 submissions from 2 submitters: Likely benign (1). 1 of the submissions does not count toward it. Last evaluated 2024-11-28.

Conditions:
RYR1-related disorder. Also called: RYR1-related disorders; RYR1-related condition. Identifiers: MedGen CN239331.

Submissions (2):

Blueprint Genetics
Classification: Likely benign. Last evaluated: 2024-11-28. Review status: criteria provided, single submitter. Criteria: ACMG Guidelines, 2015. Collection method: clinical testing. Allele origin: germline.

PreventionGenetics, part of Exact Sciences
Classification: Likely benign for RYR1-related condition. Last evaluated: 2019-10-10. Review status: no assertion criteria provided. Collection method: clinical testing. Allele origin: germline. Not counted in ClinVar's aggregate classification.
Comment: This variant is classified as likely benign based on ACMG/AMP sequence variant interpretation guidelines (Richards et al. 2015 PMID: 25741868, with internal and published modifications).

NM_000540.3(RYR1):c.14130-19TC[6]

Gene: RYR1 (ryanodine receptor 1; plus strand). Cytogenetic location: 19q13.2.
Variant type: Microsatellite.
Coding change: c.14130-19TC[6] on transcript NM_000540.3 (MANE Select); six copies in a row of the 2-base unit TC starting at c.14130-19.
Molecular consequence: intron variant.
Genome position: GRCh38 VCF-style: chr19-38575899-TTC-T. GRCh37 (hg19) VCF-style: chr19-39066539-TTC-T.
Other names: c.14115-19TC[6] (NM_001042723.2).
Identifiers: ClinVar variation 3060334 (VCV003060334.3), dbSNP rs750824483, ClinGen allele CA9415950.